The following is an entry in ClinVar:

ClinVar aggregate classification (germline): Uncertain significance (1 of 4 stars; one submission).

Submission:

Labcorp Genetics (formerly Invitae), Labcorp
Classification: Uncertain significance. Last evaluated: 2018-12-08. Review status: criteria provided, single submitter. Criteria: Invitae Variant Classification Sherloc (09022015). Collection method: clinical testing. Allele origin: germline.
Comment: This sequence change replaces methionine with leucine at codon 1754 of the POLE protein (p.Met1754Leu). The methionine residue is weakly conserved and there is a small physicochemical difference between methionine and leucine. In summary, the available evidence is currently insufficient to determine the role of this variant in disease. Therefore, it has been classified as a Variant of Uncertain Significance. Algorithms developed to predict the effect of missense changes on protein structure and function output the following: SIFT: "Tolerated"; PolyPhen-2: "Benign"; Align-GVGD: "Class C0". The leucine amino acid residue is found in multiple mammalian species, suggesting that this missense change does not adversely affect protein function. These predictions have not been confirmed by published functional studies and their clinical significance is uncertain. This variant has not been reported in the literature in individuals with POLE-related conditions. This variant is not present in population databases (ExAC no frequency).

NM_006231.4(POLE):c.5260A>C (p.Met1754Leu)

Gene: POLE (DNA polymerase epsilon, catalytic subunit; minus strand). Cytogenetic location: 12q24.33.
Variant type: single nucleotide variant.
Coding change: c.5260A>C on transcript NM_006231.4 (MANE Select); coding-DNA position 5260, A replaced by C.
Protein change: p.Met1754Leu; replaces methionine 1754 with leucine.
Molecular consequence: missense variant.
Genome position (GRCh38, 1-based): chr12:132,641,765, T>G on the plus strand (A>C on the coding strand, the complement: POLE is on the minus strand). VCF-style: chr12-132641765-T-G. GRCh37 (hg19) VCF-style: chr12-133218351-T-G.
Other names: short protein forms M1754L.
Identifiers: ClinVar variation 646855 (VCV000646855.8), dbSNP rs1402161985, ClinGen allele CA387376281.